The following is an entry in ClinVar:

NM_015404.4(WHRN):c.302C>T (p.Ser101Phe)

Gene: WHRN (whirlin; minus strand). Cytogenetic location: 9q32.
Variant type: single nucleotide variant.
Coding change: c.302C>T on transcript NM_015404.4 (MANE Select); coding-DNA position 302, C replaced by T.
Protein change: p.Ser101Phe; replaces serine 101 with phenylalanine.
Molecular consequence: missense variant.
Genome position (GRCh38, 1-based): chr9:114,504,500, G>A on the plus strand (C>T on the coding strand, the complement: WHRN is on the minus strand). VCF-style: chr9-114504500-G-A. GRCh37 (hg19) VCF-style: chr9-117266780-G-A.
Other names: c.302C>T, p.Ser101Phe (NM_001173425.2); short protein forms S101F.
Identifiers: ClinVar variation 3233838 (VCV003233838.2), dbSNP rs780852792, ClinGen allele CA374613082.

ClinVar aggregate classification (germline): Uncertain significance (1 of 4 stars; one submission).

gnomAD v4.1: 1 of 1,609,230 alleles (0.000062%); highest among the groups gnomAD compares: Non-Finnish European, 0.000085%; no homozygotes.

Submission:

Women's Health and Genetics/Laboratory Corporation of America, LabCorp
Classification: Uncertain significance. Last evaluated: 2024-03-21. Review status: criteria provided, single submitter. Criteria: LabCorp Variant Classification Summary - May 2015. Collection method: clinical testing. Allele origin: germline.
Comment: Variant summary: WHRN c.302C>T (p.Ser101Phe) results in a non-conservative amino acid change in the encoded protein sequence. Four of five in-silico tools predict a damaging effect of the variant on protein function. The variant was absent in 241478 control chromosomes (gnomAD). c.302C>T has been reported in the literature in the homozygous state in an individual affected with autosomal recessive non-syndromic hearing loss (Atik_2015). These data indicate that the variant may be associated with disease. To our knowledge, no experimental evidence demonstrating an impact on protein function has been reported. The following publication has been ascertained in the context of this evaluation (PMID: 26561413). No submitters have cited clinical-significance assessments for this variant to ClinVar. Based on the evidence outlined above, the variant was classified as VUS-possibly pathogenic.

Literature cited by the submitters: PubMed 26561413.